The following is an entry in ClinVar:

ClinVar aggregate classification (germline): Uncertain significance. Review status: criteria provided, multiple submitters, no conflicts (2 of 4 stars). 3 submissions from 3 submitters: Uncertain significance (3). Last evaluated 2024-04-17.

Allele frequency attached by ClinVar (database versions not stated): gnomAD 0.00001.
gnomAD v4.1: 15 of 1,613,994 alleles (0.00093%); highest among the groups gnomAD compares: Middle Eastern, 0.23%; no homozygotes.

Submissions (3):

Labcorp Genetics (formerly Invitae), Labcorp
Classification: Uncertain significance. Last evaluated: 2024-04-17. Review status: criteria provided, single submitter. Criteria: Invitae Variant Classification Sherloc (09022015). Collection method: clinical testing. Allele origin: germline.
Comment: This sequence change replaces glycine, which is neutral and non-polar, with arginine, which is basic and polar, at codon 61 of the TYRP1 protein (p.Gly61Arg). This variant is not present in population databases (gnomAD no frequency). This variant has not been reported in the literature in individuals affected with TYRP1-related conditions. ClinVar contains an entry for this variant (Variation ID: 1439406). Advanced modeling of protein sequence and biophysical properties (such as structural, functional, and spatial information, amino acid conservation, physicochemical variation, residue mobility, and thermodynamic stability) performed at Invitae indicates that this missense variant is expected to disrupt TYRP1 protein function with a positive predictive value of 80%. In summary, the available evidence is currently insufficient to determine the role of this variant in disease. Therefore, it has been classified as a Variant of Uncertain Significance.

Revvity Omics, Revvity
Classification: Uncertain significance. Last evaluated: 2023-09-21. Review status: criteria provided, single submitter. Criteria: ACMG Guidelines, 2015. Collection method: clinical testing. Allele origin: germline.

Breakthrough Genomics
Classification: Uncertain significance. Review status: criteria provided, single submitter. Criteria: ACMG Guidelines, 2015. Collection method: not provided. Allele origin: germline. Inheritance: Autosomal recessive inheritance. Affected: yes.

NM_000550.3(TYRP1):c.181G>A (p.Gly61Arg)

Gene: TYRP1 (tyrosinase related protein 1; plus strand). Cytogenetic location: 9p23.
Variant type: single nucleotide variant.
Coding change: c.181G>A on transcript NM_000550.3 (MANE Select); coding-DNA position 181, G replaced by A.
Protein change: p.Gly61Arg; replaces glycine 61 with arginine.
Molecular consequence: missense variant.
Genome position (GRCh38, 1-based): chr9:12,694,177, G>A. VCF-style: chr9-12694177-G-A. GRCh37 (hg19) VCF-style: chr9-12694177-G-A.
Other names: short protein forms G61R.
Identifiers: ClinVar variation 1439406 (VCV001439406.10), dbSNP rs866994632, ClinGen allele CA189304938.